The following is an entry in ClinVar:

ClinVar aggregate classification (germline): Uncertain significance (1 of 4 stars; one submission).

Allele frequency attached by ClinVar (database versions not stated): gnomAD exomes 0.00001.
gnomAD v4.1: 12 of 1,590,556 alleles (0.00075%); highest among the groups gnomAD compares: African/African-American, 0.0013%; no homozygotes.

Submission:

Labcorp Genetics (formerly Invitae), Labcorp
Classification: Uncertain significance. Last evaluated: 2024-10-15. Review status: criteria provided, single submitter. Criteria: Invitae Variant Classification Sherloc (09022015). Collection method: clinical testing. Allele origin: germline.
Comment: This sequence change replaces tyrosine, which is neutral and polar, with cysteine, which is neutral and slightly polar, at codon 74 of the SLC25A12 protein (p.Tyr74Cys). This variant is not present in population databases (gnomAD no frequency). This variant has not been reported in the literature in individuals affected with SLC25A12-related conditions. ClinVar contains an entry for this variant (Variation ID: 1996276). Invitae Evidence Modeling of protein sequence and biophysical properties (such as structural, functional, and spatial information, amino acid conservation, physicochemical variation, residue mobility, and thermodynamic stability) indicates that this missense variant is expected to disrupt SLC25A12 protein function with a positive predictive value of 80%. In summary, the available evidence is currently insufficient to determine the role of this variant in disease. Therefore, it has been classified as a Variant of Uncertain Significance.

NM_003705.5(SLC25A12):c.221A>G (p.Tyr74Cys)

Gene: SLC25A12 (solute carrier family 25 member 12; minus strand). Cytogenetic location: 2q31.1.
Variant type: single nucleotide variant.
Coding change: c.221A>G on transcript NM_003705.5 (MANE Select); coding-DNA position 221, A replaced by G.
Protein change: p.Tyr74Cys; replaces tyrosine 74 with cysteine.
Molecular consequence: missense variant.
Genome position (GRCh38, 1-based): chr2:171,855,938, T>C on the plus strand (A>G on the coding strand, the complement: SLC25A12 is on the minus strand). VCF-style: chr2-171855938-T-C. GRCh37 (hg19) VCF-style: chr2-172712448-T-C.
Other names: short protein forms Y74C.
Identifiers: ClinVar variation 1996276 (VCV001996276.4), dbSNP rs2545255582, ClinGen allele CA349632844.